The following is an entry in ClinVar:

ClinVar aggregate classification (germline): Conflicting classifications of pathogenicity. Review status: criteria provided, conflicting classifications (1 of 4 stars). 2 submissions from 2 submitters: Uncertain significance (1); Likely benign (1). Last evaluated 2025-05-27.

Submissions (2):

Labcorp Genetics (formerly Invitae), Labcorp
Classification: Likely benign. Last evaluated: 2025-05-27. Review status: criteria provided, single submitter. Criteria: Invitae Variant Classification Sherloc (09022015). Collection method: clinical testing. Allele origin: germline.

GeneDx
Classification: Uncertain significance. Last evaluated: 2023-03-07. Review status: criteria provided, single submitter. Criteria: GeneDx Variant Classification Process June 2021. Collection method: clinical testing. Allele origin: germline. Affected: yes.
Comment: Not observed at significant frequency in large population cohorts (gnomAD); In silico analysis supports that this missense variant has a deleterious effect on protein structure/function; Has not been previously published as pathogenic or benign to our knowledge

NM_001037333.3(CYFIP2):c.1844G>A (p.Cys615Tyr)

Gene: CYFIP2 (cytoplasmic FMR1 interacting protein 2; plus strand). Cytogenetic location: 5q33.3.
Variant type: single nucleotide variant.
Coding change: c.1844G>A on transcript NM_001037333.3 (MANE Select); coding-DNA position 1844, G replaced by A.
Protein change: p.Cys615Tyr; replaces cysteine 615 with tyrosine.
Molecular consequence: missense variant.
Genome position (GRCh38, 1-based): chr5:157,325,500, G>A. VCF-style: chr5-157325500-G-A. GRCh37 (hg19) VCF-style: chr5-156752508-G-A.
Other names: c.1766G>A, p.Cys589Tyr (NM_001291721.2); c.1919G>A, p.Cys640Tyr (NM_001291722.2); c.1844G>A, p.Cys615Tyr (NM_014376.4); short protein forms C589Y, C615Y, C640Y.
Identifiers: ClinVar variation 2580813 (VCV002580813.3), dbSNP rs2532418568, ClinGen allele CA361970081.